The following is an entry in ClinVar:

ClinVar aggregate classification (germline): Benign (1 of 4 stars; one submission).

Allele frequency attached by ClinVar (database versions not stated): gnomAD 0.81524 and 0.81233; 1000 Genomes Project 30x 0.77889; 1000 Genomes Project 0.77995; TOPMed 0.81218.

Submission:

GeneDx
Classification: Benign. Last evaluated: 2018-06-19. Review status: criteria provided, single submitter. Criteria: GeneDx Variant Classification (06012015). Collection method: clinical testing. Allele origin: germline. Affected: yes.
Comment: This variant is considered likely benign or benign based on one or more of the following criteria: it is a conservative change, it occurs at a poorly conserved position in the protein, it is predicted to be benign by multiple in silico algorithms, and/or has population frequency not consistent with disease.

NM_000046.3(ARSB):c.-1599C>T

Gene: ARSB (arylsulfatase B; minus strand). Cytogenetic location: 5q14.1.
Variant type: single nucleotide variant.
Coding change: c.-1599C>T on transcript NM_000046.3; 1599 bases upstream of the start codon, C replaced by T.
Genome position (GRCh38, 1-based): chr5:78,986,847, G>A on the plus strand (C>T on the coding strand, the complement: ARSB is on the minus strand). VCF-style: chr5-78986847-G-A. GRCh37 (hg19) VCF-style: chr5-78282670-G-A.
Identifiers: ClinVar variation 680473 (VCV000680473.3), dbSNP rs163125, ClinGen allele CA12170322.